The following is an entry in ClinVar:

ClinVar aggregate classification (germline): Uncertain significance (1 of 4 stars; one submission).

Conditions:
Catecholaminergic polymorphic ventricular tachycardia 1. Also called: VENTRICULAR TACHYCARDIA, CATECHOLAMINERGIC POLYMORPHIC, 1, WITH OR WITHOUT ATRIAL DYSFUNCTION AND/OR DILATED CARDIOMYOPATHY; RYR2-Related Catecholaminergic Polymorphic Ventricular Tachycardia; VENTRICULAR TACHYCARDIA, STRESS-INDUCED POLYMORPHIC 1. Identifiers: Orphanet 3286, MedGen C1631597, MONDO:0011484, OMIM 604772.

Submission:

Labcorp Genetics (formerly Invitae), Labcorp
Classification: Uncertain significance for Catecholaminergic polymorphic ventricular tachycardia 1. Last evaluated: 2021-01-26. Review status: criteria provided, single submitter. Criteria: Invitae Variant Classification Sherloc (09022015). Collection method: clinical testing. Allele origin: germline.
Comment: This variant is not present in population databases (ExAC no frequency). This sequence change replaces isoleucine with phenylalanine at codon 2409 of the RYR2 protein (p.Ile2409Phe). The isoleucine residue is highly conserved and there is a small physicochemical difference between isoleucine and phenylalanine. This variant has not been reported in the literature in individuals with RYR2-related disease. In summary, the available evidence is currently insufficient to determine the role of this variant in disease. Therefore, it has been classified as a Variant of Uncertain Significance. Algorithms developed to predict the effect of missense changes on protein structure and function do not agree on the potential impact of this missense change (SIFT: "Deleterious"; PolyPhen-2: "Probably Damaging"; Align-GVGD: "Class C15").

NM_001035.3(RYR2):c.7225A>T (p.Ile2409Phe)

Gene: RYR2 (ryanodine receptor 2; plus strand). Cytogenetic location: 1q43.
Variant type: single nucleotide variant.
Coding change: c.7225A>T on transcript NM_001035.3 (MANE Select); coding-DNA position 7225, A replaced by T.
Protein change: p.Ile2409Phe; replaces isoleucine 2409 with phenylalanine.
Molecular consequence: missense variant.
Genome position (GRCh38, 1-based): chr1:237,643,330, A>T. VCF-style: chr1-237643330-A-T. GRCh37 (hg19) VCF-style: chr1-237806630-A-T.
Other names: c.7225A>T, p.Ile2409Phe (LRG_402t1); short protein forms I2409F.
Identifiers: ClinVar variation 532320 (VCV000532320.10), dbSNP rs1553265773, ClinGen allele CA345396859.
Genomic context (GRCh38, chr1:237,643,330, plus strand): 5'-AGAATTGTAACATTGATGTCACAAAGTTGTTCTAATGTTTTTTTTTCCCCTGTATAGTTG[A>T]TTCATGCCGGGAAGGGAGAAGCCATCAGAATTAGGTCCATTTTGAGATCCCTCATTCCCC-3'
Protein context (NP_001026.2, residues 2399-2419): LGRCAPEMHL[Ile2409Phe]HAGKGEAIRI